The following is an entry in ClinVar:

ClinVar aggregate classification (germline): Likely pathogenic (1 of 4 stars; one submission).

Conditions:
ABCA4-related disorder. Also called: ABCA4-related disorders; ABCA4-related condition. Identifiers: MedGen CN239167.

Submission:

PreventionGenetics, part of Exact Sciences
Classification: Likely pathogenic for ABCA4-related condition. Last evaluated: 2025-03-06. Review status: criteria provided, single submitter. Criteria: ACMG Guidelines, 2015. Collection method: clinical testing. Allele origin: germline.
Comment: The ABCA4 c.214G>C variant is predicted to result in the amino acid substitution p.Gly72Arg. To our knowledge, this variant has not been reported in the literature or in a large population database (gnomAD), indicating this variant is rare. However, an alternate nucleotide change (c.214G>A) resulting in the same amino acid change has been reported in individuals with Stargardt disease or ABCA4-related retinal disease (see for example: Rivera et al. 2000. PubMed ID: 10958763; Garces et al. 2018. PubMed ID: 29847635; Table S1, Lin et al. 2024. PubMed ID: 38219857). The p.Gly72Arg variant has been shown to impact protein function (Garces et al. 2018. PubMed ID: 29847635). This variant is interpreted as likely pathogenic.

NM_000350.3(ABCA4):c.214G>C (p.Gly72Arg)

Gene: ABCA4 (ATP binding cassette subfamily A member 4; minus strand). Cytogenetic location: 1p22.1.
Variant type: single nucleotide variant.
Coding change: c.214G>C on transcript NM_000350.3 (MANE Select); coding-DNA position 214, G replaced by C.
Protein change: p.Gly72Arg; replaces glycine 72 with arginine.
Molecular consequence: missense variant.
Genome position (GRCh38, 1-based): chr1:94,111,526, C>G on the plus strand (G>C on the coding strand, the complement: ABCA4 is on the minus strand). VCF-style: chr1-94111526-C-G. GRCh37 (hg19) VCF-style: chr1-94577082-C-G.
Other names: c.214G>C, p.Gly72Arg (NM_001425324.1); short protein forms G72R.
Identifiers: ClinVar variation 4997681 (VCV004997681.1).